The following is an entry in ClinVar:

NM_006922.4(SCN3A):c.3851T>C (p.Leu1284Ser)

Gene: SCN3A (sodium voltage-gated channel alpha subunit 3; minus strand). Cytogenetic location: 2q24.3.
Variant type: single nucleotide variant.
Coding change: c.3851T>C on transcript NM_006922.4 (MANE Select); coding-DNA position 3851, T replaced by C.
Protein change: p.Leu1284Ser; replaces leucine 1284 with serine.
Molecular consequence: missense variant.
Genome position (GRCh38, 1-based): chr2:165,100,417, A>G on the plus strand (T>C on the coding strand, the complement: SCN3A is on the minus strand). VCF-style: chr2-165100417-A-G. GRCh37 (hg19) VCF-style: chr2-165956927-A-G.
Other names: c.3704T>C, p.Leu1235Ser (NM_001081676.2, NM_001081677.2); short protein forms L1235S, L1284S.
Identifiers: ClinVar variation 1400957 (VCV001400957.8), dbSNP rs2105660419, ClinGen allele CA349028518.

ClinVar aggregate classification (germline): Uncertain significance (1 of 4 stars; one submission).

Submission:

Labcorp Genetics (formerly Invitae), Labcorp
Classification: Uncertain significance. Last evaluated: 2022-07-05. Review status: criteria provided, single submitter. Criteria: Invitae Variant Classification Sherloc (09022015). Collection method: clinical testing. Allele origin: germline.
Comment: This sequence change replaces leucine, which is neutral and non-polar, with serine, which is neutral and polar, at codon 1284 of the SCN3A protein (p.Leu1284Ser). This variant is not present in population databases (gnomAD no frequency). This variant has not been reported in the literature in individuals affected with SCN3A-related conditions. ClinVar contains an entry for this variant (Variation ID: 1400957). Algorithms developed to predict the effect of missense changes on protein structure and function are either unavailable or do not agree on the potential impact of this missense change (SIFT: "Deleterious"; PolyPhen-2: "Probably Damaging"; Align-GVGD: "Class C0"). In summary, the available evidence is currently insufficient to determine the role of this variant in disease. Therefore, it has been classified as a Variant of Uncertain Significance.